The following is an entry in ClinVar:

NM_017763.6(RNF43):c.253-14G>C

Gene: RNF43 (ring finger protein 43; minus strand). Cytogenetic location: 17q22.
Variant type: single nucleotide variant.
Coding change: c.253-14G>C on transcript NM_017763.6 (MANE Select); 14 bases into the intron before coding-DNA position 253, G replaced by C.
Molecular consequence: intron variant.
Genome position (GRCh38, 1-based): chr17:58,371,047, C>G on the plus strand (G>C on the coding strand, the complement: RNF43 is on the minus strand). VCF-style: chr17-58371047-C-G. GRCh37 (hg19) VCF-style: chr17-56448408-C-G.
Other names: c.253-14G>C (NM_001438822.1, NM_001305544.3, NM_001438820.1 and 1 more transcripts); c.-129-14G>C (NM_001305545.2, NM_001437987.1).
Identifiers: ClinVar variation 4875807 (VCV004875807.1).

ClinVar aggregate classification (germline): Likely benign (1 of 4 stars; one submission).

Conditions:
Sessile serrated polyposis cancer syndrome (SSPCS). Identifiers: Orphanet 157798, MedGen C4310714, MONDO:0014919, OMIM 617108.

Submission:

Myriad Genetics, Inc.
Classification: Likely benign for Sessile serrated polyposis cancer syndrome. Last evaluated: 2026-06-26. Review status: criteria provided, single submitter. Criteria: Myriad Autosomal Dominant, Autosomal Recessive and X-Linked Classification Criteria (2023). Collection method: clinical testing. Allele origin: unknown.
Comment: This variant is considered likely benign. This variant is intronic and is not expected to impact mRNA splicing.